The following is an entry in ClinVar:

NM_001846.4(COL4A2):c.3635-4A>C

Gene: COL4A2 (collagen type IV alpha 2 chain; plus strand). Cytogenetic location: 13q34.
Variant type: single nucleotide variant.
Coding change: c.3635-4A>C on transcript NM_001846.4 (MANE Select); 4 bases into the intron before coding-DNA position 3635, A replaced by C.
Molecular consequence: intron variant.
Genome position (GRCh38, 1-based): chr13:110,495,338, A>C. VCF-style: chr13-110495338-A-C. GRCh37 (hg19) VCF-style: chr13-111147685-A-C.
Other names: c.3635-4A>C (NM_001846.3).
Identifiers: ClinVar variation 1659982 (VCV001659982.10), dbSNP rs536636278, ClinGen allele CA7050289.

ClinVar aggregate classification (germline): Likely benign. Review status: criteria provided, multiple submitters, no conflicts (2 of 4 stars). 3 submissions from 3 submitters: Likely benign (2). 1 of the submissions does not count toward it. Last evaluated 2025-01-20.

Conditions:
COL4A2-related disorder. Also called: COL4A2-related disorders; COL4A2-related condition.

Allele frequency attached by ClinVar (database versions not stated): ExAC 0.00008; gnomAD 0.00009 and 0.00011; TOPMed 0.00013; gnomAD exomes 0.00015; 1000 Genomes Project 30x 0.00016; 1000 Genomes Project 0.00020.
gnomAD v4.1: 443 of 1,614,098 alleles (0.027%); highest among the groups gnomAD compares: Non-Finnish European, 0.035%; no homozygotes.

Submissions (3):

Labcorp Genetics (formerly Invitae), Labcorp
Classification: Likely benign. Last evaluated: 2025-01-20. Review status: criteria provided, single submitter. Criteria: Invitae Variant Classification Sherloc (09022015). Collection method: clinical testing. Allele origin: germline.

Blueprint Genetics
Classification: Likely benign. Last evaluated: 2024-10-21. Review status: criteria provided, single submitter. Criteria: ACMG Guidelines, 2015. Collection method: clinical testing. Allele origin: germline.

PreventionGenetics, part of Exact Sciences
Classification: Likely benign for COL4A2-related condition. Last evaluated: 2024-04-23. Review status: no assertion criteria provided. Collection method: clinical testing. Allele origin: germline. Not counted in ClinVar's aggregate classification.
Comment: This variant is classified as likely benign based on ACMG/AMP sequence variant interpretation guidelines (Richards et al. 2015 PMID: 25741868, with internal and published modifications).